The following is an entry in ClinVar:

NM_000222.3(KIT):c.359T>C (p.Val120Ala)

Gene: KIT (KIT proto-oncogene, receptor tyrosine kinase; plus strand). Cytogenetic location: 4q12.
Variant type: single nucleotide variant.
Coding change: c.359T>C on transcript NM_000222.3 (MANE Select); coding-DNA position 359, T replaced by C.
Protein change: p.Val120Ala; replaces valine 120 with alanine.
Molecular consequence: missense variant.
Genome position (GRCh38, 1-based): chr4:54,698,305, T>C. VCF-style: chr4-54698305-T-C. GRCh37 (hg19) VCF-style: chr4-55564471-T-C.
Other names: c.359T>C, p.Val120Ala (NM_001093772.2, NM_001385284.1, NM_001385285.1 and 4 more transcripts); short protein forms V120A.
Identifiers: ClinVar variation 2072254 (VCV002072254.6), dbSNP rs2475450270, ClinGen allele CA356897419.

ClinVar aggregate classification (germline): Uncertain significance. Review status: criteria provided, multiple submitters, no conflicts (2 of 4 stars). 2 submissions from 2 submitters: Uncertain significance (2). Last evaluated 2024-04-02.

Conditions:
Hereditary cancer-predisposing syndrome. Also called: Hereditary neoplastic syndrome; Neoplastic Syndromes, Hereditary; Hereditary Cancer Syndrome; Tumor predisposition. Identifiers: Orphanet 140162, MedGen C0027672, MeSH D009386, MONDO:0015356.
Gastrointestinal stromal tumor. Also called: Gastrointestinal stroma tumor; Gastrointestinal stromal tumor, somatic. Identifiers: Orphanet 44890, MedGen C0238198, MeSH D046152, MONDO:0011719, OMIM 606764, HP:0100723.

Submissions (2):

Labcorp Genetics (formerly Invitae), Labcorp
Classification: Uncertain significance for Gastrointestinal stromal tumor. Last evaluated: 2024-04-02. Review status: criteria provided, single submitter. Criteria: Invitae Variant Classification Sherloc (09022015). Collection method: clinical testing. Allele origin: germline.
Comment: This sequence change replaces valine, which is neutral and non-polar, with alanine, which is neutral and non-polar, at codon 120 of the KIT protein (p.Val120Ala). This variant is not present in population databases (gnomAD no frequency). This variant has not been reported in the literature in individuals affected with KIT-related conditions. ClinVar contains an entry for this variant (Variation ID: 2072254). An algorithm developed to predict the effect of missense changes on protein structure and function (PolyPhen-2) suggests that this variant is likely to be tolerated. In summary, the available evidence is currently insufficient to determine the role of this variant in disease. Therefore, it has been classified as a Variant of Uncertain Significance.

Ambry Genetics
Classification: Uncertain significance for Hereditary cancer-predisposing syndrome. Last evaluated: 2023-08-25. Review status: criteria provided, single submitter. Criteria: Ambry Variant Classification Scheme 2023. Collection method: clinical testing. Allele origin: germline.
Comment: The p.V120A variant (also known as c.359T>C), located in coding exon 3 of the KIT gene, results from a T to C substitution at nucleotide position 359. The valine at codon 120 is replaced by alanine, an amino acid with similar properties. This amino acid position is conserved. In addition, this alteration is predicted to be tolerated by in silico analysis. Since supporting evidence is limited at this time, the clinical significance of this alteration remains unclear.